The following is an entry in ClinVar:

NM_000426.4(LAMA2):c.5290G>A (p.Glu1764Lys)

Gene: LAMA2 (laminin subunit alpha 2; plus strand). Cytogenetic location: 6q22.33.
Variant type: single nucleotide variant.
Coding change: c.5290G>A on transcript NM_000426.4 (MANE Select); coding-DNA position 5290, G replaced by A.
Protein change: p.Glu1764Lys; replaces glutamic acid 1764 with lysine.
Molecular consequence: missense variant.
Genome position (GRCh38, 1-based): chr6:129,393,100, G>A. VCF-style: chr6-129393100-G-A. GRCh37 (hg19) VCF-style: chr6-129714245-G-A.
Other names: c.5290G>A, p.Glu1764Lys (NM_001079823.2); short protein forms E1764K.
Identifiers: ClinVar variation 2141917 (VCV002141917.2), dbSNP rs1429579718, ClinGen allele CA365614668.

ClinVar aggregate classification (germline): Conflicting classifications of pathogenicity. Review status: criteria provided, conflicting classifications (1 of 4 stars). 2 submissions from 2 submitters: Uncertain significance (1); Likely benign (1). Last evaluated 2024-04-08.

Conditions:
Inborn genetic diseases. Identifiers: MedGen C0950123, MeSH D030342.
LAMA2-related muscular dystrophy (LAMA2-RD). Also called: Laminin alpha 2-related dystrophy. Identifiers: MedGen C5679788, MONDO:0100228.

gnomAD v4.1: 3 of 1,613,844 alleles (0.00019%); highest among the groups gnomAD compares: Admixed American, 0.0033%; no homozygotes.

Submissions (2):

Ambry Genetics
Classification: Likely benign for Inborn genetic diseases. Last evaluated: 2024-04-08. Review status: criteria provided, single submitter. Criteria: Ambry Variant Classification Scheme 2023. Collection method: clinical testing. Allele origin: germline.

Labcorp Genetics (formerly Invitae), Labcorp
Classification: Uncertain significance for LAMA2-related muscular dystrophy. Last evaluated: 2022-04-09. Review status: criteria provided, single submitter. Criteria: Invitae Variant Classification Sherloc (09022015). Collection method: clinical testing. Allele origin: germline.
Comment: This sequence change replaces glutamic acid, which is acidic and polar, with lysine, which is basic and polar, at codon 1764 of the LAMA2 protein (p.Glu1764Lys). This variant is not present in population databases (gnomAD no frequency). This variant has not been reported in the literature in individuals affected with LAMA2-related conditions. Advanced modeling of protein sequence and biophysical properties (such as structural, functional, and spatial information, amino acid conservation, physicochemical variation, residue mobility, and thermodynamic stability) performed at Invitae indicates that this missense variant is not expected to disrupt LAMA2 protein function. In summary, the available evidence is currently insufficient to determine the role of this variant in disease. Therefore, it has been classified as a Variant of Uncertain Significance.